The following is an entry in ClinVar:

ClinVar aggregate classification (germline): Uncertain significance. Review status: criteria provided, multiple submitters, no conflicts (2 of 4 stars). 2 submissions from 2 submitters: Uncertain significance (2). Last evaluated 2025-08-10.

gnomAD v4.1: 56 of 1,590,430 alleles (0.0035%); highest among the groups gnomAD compares: South Asian, 0.026%; no homozygotes.

Submissions (2):

Ambry Genetics
Classification: Uncertain significance. Last evaluated: 2025-08-10. Review status: criteria provided, single submitter. Criteria: Ambry Variant Classification Scheme 2023. Collection method: clinical testing. Allele origin: germline.

Labcorp Genetics (formerly Invitae), Labcorp
Classification: Uncertain significance. Last evaluated: 2025-05-11. Review status: criteria provided, single submitter. Criteria: Invitae Variant Classification Sherloc (09022015). Collection method: clinical testing. Allele origin: germline.
Comment: This sequence change replaces arginine, which is basic and polar, with histidine, which is basic and polar, at codon 354 of the PLEKHM2 protein (p.Arg354His). The frequency data for this variant in the population databases is considered unreliable, as metrics indicate poor data quality at this position in the gnomAD database. This variant has not been reported in the literature in individuals affected with PLEKHM2-related conditions. ClinVar contains an entry for this variant (Variation ID: 2075879). An algorithm developed to predict the effect of missense changes on protein structure and function outputs the following: PolyPhen-2: "Benign". The histidine amino acid residue is found in multiple mammalian species, which suggests that this missense change does not adversely affect protein function. In summary, the available evidence is currently insufficient to determine the role of this variant in disease. Therefore, it has been classified as a Variant of Uncertain Significance.

NM_015164.4(PLEKHM2):c.1061G>A (p.Arg354His)

Gene: PLEKHM2 (pleckstrin homology and RUN domain containing M2; plus strand). Cytogenetic location: 1p36.21.
Variant type: single nucleotide variant.
Coding change: c.1061G>A on transcript NM_015164.4 (MANE Select); coding-DNA position 1061, G replaced by A.
Protein change: p.Arg354His; replaces arginine 354 with histidine.
Molecular consequence: missense variant.
Genome position (GRCh38, 1-based): chr1:15,727,133, G>A. VCF-style: chr1-15727133-G-A. GRCh37 (hg19) VCF-style: chr1-16053628-G-A.
Other names: c.1001G>A, p.Arg334His (NM_001410755.1); c.1061G>A (NM_015164.2); short protein forms R354H, R334H.
Identifiers: ClinVar variation 2075879 (VCV002075879.5), dbSNP rs751121316, ClinGen allele CA616837.
Genomic context (GRCh38, chr1:15,727,133, plus strand): 5'-GTCCACTCCACCCCGCCTGCAGCCAGAAGAAATGTGCCAAGCAGGGGGACGGTGACAGCC[G>A]CAACGGCAGCCCAAGCCTTGGGCGGGACTCGCCAGACACTATGCTTGCCTCCCCCCAGGA-3'
Protein context (NP_055979.2, residues 344-364): KCAKQGDGDS[Arg354His]NGSPSLGRDS